The following is an entry in ClinVar:

NM_000218.3(KCNQ1):c.1394-6C>T

Genes: KCNQ1 (potassium voltage-gated channel subfamily Q member 1; plus strand), KCNQ1OT1 (KCNQ1 opposite strand/antisense transcript 1; minus strand). Cytogenetic location: 11p15.5.
Variant type: single nucleotide variant.
Coding change: c.1394-6C>T on transcript NM_000218.3 (MANE Select); 6 bases into the intron before coding-DNA position 1394, C replaced by T.
Molecular consequence: intron variant.
Genome position (GRCh38, 1-based): chr11:2,661,955, C>T. VCF-style: chr11-2661955-C-T. GRCh37 (hg19) VCF-style: chr11-2683185-C-T.
Other names: c.1124-6C>T (NM_001406837.1); c.1298-6C>T (NM_001406836.1); c.854-6C>T (NM_001406838.1); c.1013-6C>T (NM_181798.2).
Identifiers: ClinVar variation 193801 (VCV000193801.11), dbSNP rs759714698, ClinGen allele CA005733.

ClinVar aggregate classification (germline): Conflicting classifications of pathogenicity. Review status: criteria provided, conflicting classifications (1 of 4 stars). 3 submissions from 3 submitters: Uncertain significance (1); Likely benign (2). Last evaluated 2025-12-19.

Conditions:
Long QT syndrome (LQTS). Identifiers: MedGen C0023976, MeSH D008133, MONDO:0002442. Disease mechanism: loss of function. Inheritance: Various modes of inheritance.

Allele frequency attached by ClinVar (database versions not stated): TOPMed 0.00001.
gnomAD v4.1: 8 of 1,614,076 alleles (0.0005%); highest among the groups gnomAD compares: Non-Finnish European, 0.00068%; no homozygotes.

Submissions (3):

Labcorp Genetics (formerly Invitae), Labcorp
Classification: Likely benign for Long QT syndrome. Last evaluated: 2025-12-19. Review status: criteria provided, single submitter. Criteria: Invitae Variant Classification Sherloc (09022015). Collection method: clinical testing. Allele origin: germline.

All of Us Research Program, National Institutes of Health
Classification: Likely benign for Long QT syndrome. Last evaluated: 2024-04-25. Review status: criteria provided, single submitter. Criteria: ACMG Guidelines, 2015. Collection method: clinical testing. Allele origin: germline. Inheritance: Autosomal dominant inheritance. Observed: 1 variant allele, 1 heterozygote.
Comment: This study involves interpretation of variants in research participants for the purpose of population health screening. Participant phenotype was not available at the time of variant classification. Additional details can be found in publication PMID: 35346344, PMCID: PMC8962531

Eurofins Ntd Llc (ga)
Classification: Uncertain significance. Last evaluated: 2015-03-12. Review status: criteria provided, single submitter. Criteria: EGL Classification Definitions 2015. Collection method: clinical testing. Allele origin: germline. Observed: 1 variant allele, 1 heterozygote.